The following is an entry in ClinVar:

ClinVar aggregate classification (germline): Uncertain significance. Review status: criteria provided, multiple submitters, no conflicts (2 of 4 stars). 2 submissions from 2 submitters: Uncertain significance (2). Last evaluated 2025-06-27.

Conditions:
Birt-Hogg-Dube syndrome. Also called: Birt Hogg Dubé syndrome. Identifiers: Orphanet 122, MedGen C0346010, MONDO:0800444.
Hereditary cancer-predisposing syndrome. Also called: Tumor predisposition; Neoplastic Syndromes, Hereditary; Hereditary neoplastic syndrome; Hereditary Cancer Syndrome. Identifiers: Orphanet 140162, MedGen C0027672, MeSH D009386, MONDO:0015356.

Allele frequency attached by ClinVar (database versions not stated): TOPMed 0.00001; ESP Exome Variant Server 0.00008.
gnomAD v4.1: 1 of 1,613,574 alleles (0.000062%); highest among the groups gnomAD compares: Non-Finnish European, 0.000085%; no homozygotes.

Submissions (2):

Ambry Genetics
Classification: Uncertain significance for Hereditary cancer-predisposing syndrome. Last evaluated: 2025-06-27. Review status: criteria provided, single submitter. Criteria: Ambry Variant Classification Scheme 2023. Collection method: clinical testing. Allele origin: germline.
Comment: The p.R179L variant (also known as c.536G>T), located in coding exon 3 of the FLCN gene, results from a G to T substitution at nucleotide position 536. The arginine at codon 179 is replaced by leucine, an amino acid with dissimilar properties. This amino acid position is highly conserved in available vertebrate species. In addition, this alteration is predicted to be deleterious by in silico analysis. Since supporting evidence is limited at this time, the clinical significance of this alteration remains unclear.

Labcorp Genetics (formerly Invitae), Labcorp
Classification: Uncertain significance for Birt-Hogg-Dube syndrome. Last evaluated: 2022-02-03. Review status: criteria provided, single submitter. Criteria: Invitae Variant Classification Sherloc (09022015). Collection method: clinical testing. Allele origin: germline.
Comment: In summary, the available evidence is currently insufficient to determine the role of this variant in disease. Therefore, it has been classified as a Variant of Uncertain Significance. Algorithms developed to predict the effect of missense changes on protein structure and function are either unavailable or do not agree on the potential impact of this missense change (SIFT: "Tolerated"; PolyPhen-2: "Possibly Damaging"; Align-GVGD: "Class C0"). This variant has not been reported in the literature in individuals affected with FLCN-related conditions. This variant is present in population databases (rs369906553, gnomAD 0.0009%). This sequence change replaces arginine, which is basic and polar, with leucine, which is neutral and non-polar, at codon 179 of the FLCN protein (p.Arg179Leu).

NM_144997.7(FLCN):c.536G>T (p.Arg179Leu)

Gene: FLCN (folliculin; minus strand). Cytogenetic location: 17p11.2.
Variant type: single nucleotide variant.
Coding change: c.536G>T on transcript NM_144997.7 (MANE Select); coding-DNA position 536, G replaced by T.
Protein change: p.Arg179Leu; replaces arginine 179 with leucine.
Molecular consequence: missense variant.
Genome position (GRCh38, 1-based): chr17:17,224,004, C>A on the plus strand (G>T on the coding strand, the complement: FLCN is on the minus strand). VCF-style: chr17-17224004-C-A. GRCh37 (hg19) VCF-style: chr17-17127318-C-A.
Other names: c.590G>T, p.Arg197Leu (NM_001353229.2); c.536G>T, p.Arg179Leu (NM_001353230.2, NM_001353231.2, NM_144606.7); short protein forms R179L, R197L.
Identifiers: ClinVar variation 2092470 (VCV002092470.7), dbSNP rs369906553, ClinGen allele CA288317055.